The following is an entry in ClinVar:

ClinVar aggregate classification (germline): Pathogenic (1 of 4 stars; one submission).

Conditions:
Cenani-Lenz syndactyly syndrome. Also called: SYNDACTYLY, TYPE VII; CENANI SYNDACTYLISM. Identifiers: Orphanet 3258, MedGen C1859309, MONDO:0008931, OMIM 212780.
Sclerosteosis 2 (SOST2). Identifiers: Orphanet 3152, MedGen C3280402, MONDO:0013679, OMIM 614305.
Congenital myasthenic syndrome 17. Identifiers: Orphanet 590, MedGen C4225377, MONDO:0014578, OMIM 616304.

Submission:

Labcorp Genetics (formerly Invitae), Labcorp
Classification: Pathogenic for Cenani-Lenz syndactyly syndrome; Sclerosteosis 2; Congenital myasthenic syndrome 17. Last evaluated: 2023-12-30. Review status: criteria provided, single submitter. Criteria: Invitae Variant Classification Sherloc (09022015). Collection method: clinical testing. Allele origin: germline.
Comment: This sequence change creates a premature translational stop signal (p.Ala617Valfs*194) in the LRP4 gene. It is expected to result in an absent or disrupted protein product. Loss-of-function variants in LRP4 are known to be pathogenic (PMID: 23636941, 24924585). This variant is not present in population databases (gnomAD no frequency). This variant has not been reported in the literature in individuals affected with LRP4-related conditions. Algorithms developed to predict the effect of sequence changes on RNA splicing suggest that this variant may disrupt the consensus splice site. For these reasons, this variant has been classified as Pathogenic.

Literature cited by the submitters: PubMed 23636941; PubMed 24924585.

NM_002334.4(LRP4):c.1850del (p.Ala617fs)

Gene: LRP4 (LDL receptor related protein 4; minus strand). Cytogenetic location: 11p11.2.
Variant type: Deletion.
Coding change: c.1850del on transcript NM_002334.4 (MANE Select); coding-DNA position 1850, one base deleted (C; older notation c.1850delC).
Protein change: p.Ala617fs; shifts the reading frame from alanine 617.
Molecular consequence: frameshift variant.
Genome position (GRCh38, 1-based): chr11:46,890,342, G deleted on the plus strand (C on the coding strand, the reverse complement: LRP4 is on the minus strand). VCF-style (leftmost placement, unchanged base first): chr11-46890341-AG-A. GRCh37 (hg19) VCF-style: chr11-46911892-AG-A.
Other names: short protein forms A617fs.
Identifiers: ClinVar variation 2921833 (VCV002921833.3), dbSNP rs2539759435, ClinGen allele CA2740093728.